The following is an entry in ClinVar:

NM_000059.4(BRCA2):c.6561T>C (p.Pro2187=)

Gene: BRCA2 (BRCA2 DNA repair associated; plus strand). Cytogenetic location: 13q13.1.
Variant type: single nucleotide variant.
Coding change: c.6561T>C on transcript NM_000059.4 (MANE Select); coding-DNA position 6561, T replaced by C.
Protein change: p.Pro2187=; no amino-acid change (proline 2187 retained).
Molecular consequence: synonymous variant.
Genome position (GRCh38, 1-based): chr13:32,340,916, T>C. VCF-style: chr13-32340916-T-C. GRCh37 (hg19) VCF-style: chr13-32915053-T-C.
Other names: p.Pro2187=.
Identifiers: ClinVar variation 763339 (VCV000763339.16), dbSNP rs1593909119, ClinGen allele CA483439118.

ClinVar aggregate classification (germline): Likely benign. Review status: criteria provided, multiple submitters, no conflicts (2 of 4 stars). 5 submissions from 5 submitters: Likely benign (5). Last evaluated 2025-10-16.

Conditions:
Hereditary breast ovarian cancer syndrome. Also called: Hereditary breast and ovarian cancer syndrome (HBOC); Hereditary breast and/or ovarian cancer syndrome; Hereditary breast and ovarian cancer syndrome; Breast and ovarian cancer; BRCA1- and BRCA2-Associated Hereditary Breast and Ovarian Cancer; Hereditary breast and ovarian cancer. Identifiers: Orphanet 145, MedGen C0677776, MeSH D061325, MONDO:0003582. Disease mechanism: loss of function.
Hereditary cancer-predisposing syndrome. Also called: Tumor predisposition; Hereditary neoplastic syndrome; Neoplastic Syndromes, Hereditary; Hereditary Cancer Syndrome. Identifiers: Orphanet 140162, MedGen C0027672, MeSH D009386, MONDO:0015356.

Allele frequency attached by ClinVar (database versions not stated): gnomAD exomes below 0.00001.
gnomAD v4.1: 2 of 1,609,884 alleles (0.00012%); no homozygotes.

Submissions (5):

Mayo Clinic Laboratories, Mayo Clinic
Classification: Likely benign. Last evaluated: 2025-10-16. Review status: criteria provided, single submitter. Criteria: ACMG Guidelines, 2015. Collection method: clinical testing. Allele origin: germline. Observed: 1 variant allele.
Comment: BP4, BP7

Quest Diagnostics Nichols Institute San Juan Capistrano
Classification: Likely benign. Last evaluated: 2025-07-23. Review status: criteria provided, single submitter. Criteria: Quest Diagnostics criteria. Collection method: clinical testing. Allele origin: unknown.

Labcorp Genetics (formerly Invitae), Labcorp
Classification: Likely benign for Hereditary breast ovarian cancer syndrome. Last evaluated: 2024-05-22. Review status: criteria provided, single submitter. Criteria: Invitae Variant Classification Sherloc (09022015). Collection method: clinical testing. Allele origin: germline.

Blueprint Genetics
Classification: Likely benign. Last evaluated: 2023-05-23. Review status: criteria provided, single submitter. Criteria: ACMG Guidelines, 2015. Collection method: clinical testing. Allele origin: germline.

Ambry Genetics
Classification: Likely benign for Hereditary cancer-predisposing syndrome. Last evaluated: 2021-10-23. Review status: criteria provided, single submitter. Criteria: Ambry Variant Classification Scheme 2023. Collection method: clinical testing. Allele origin: germline.